The following is an entry in ClinVar:

NM_018100.4(EFHC1):c.779G>A (p.Arg260Gln)

Gene: EFHC1 (EF-hand domain containing 1; plus strand). Cytogenetic location: 6p12.2.
Variant type: single nucleotide variant.
Coding change: c.779G>A on transcript NM_018100.4 (MANE Select); coding-DNA position 779, G replaced by A.
Protein change: p.Arg260Gln; replaces arginine 260 with glutamine.
Molecular consequence: missense variant. On other transcripts: non-coding transcript variant (1).
Genome position (GRCh38, 1-based): chr6:52,454,150, G>A. VCF-style: chr6-52454150-G-A. GRCh37 (hg19) VCF-style: chr6-52318948-G-A.
Other names: p.R260Q:CGG>CAG; c.722G>A, p.Arg241Gln (NM_001172420.2); short protein forms R260Q, R241Q.
Identifiers: ClinVar variation 205389 (VCV000205389.20), dbSNP rs145754721, ClinGen allele CA314414.

ClinVar aggregate classification (germline): Conflicting classifications of pathogenicity. Review status: criteria provided, conflicting classifications (1 of 4 stars). 6 submissions from 6 submitters: Uncertain significance (1); Benign (1); Likely benign (3). 1 of the submissions does not count toward it. Last evaluated 2024-10-24.

Conditions:
EFHC1-related disorder. Also called: EFHC1-related condition.
Myoclonic epilepsy, juvenile, susceptibility to, 1. Also called: Myoclonic Epilepsy, Juvenile, 1; EJM1. Identifiers: MedGen C1850778, MONDO:0020752, OMIM 254770.
Absence seizure. Also called: Absence epilepsy. Identifiers: Orphanet 1941, MedGen C0014553.

Allele frequency attached by ClinVar (database versions not stated): gnomAD 0.00008 and 0.00017; TOPMed 0.00013; ESP Exome Variant Server 0.00023; ExAC 0.00030; gnomAD exomes 0.00037; 1000 Genomes Project 0.00040; 1000 Genomes Project 30x 0.00047.
gnomAD v4.1: 667 of 1,613,938 alleles (0.041%); highest among the groups gnomAD compares: South Asian, 0.18%; 4 homozygotes.

Submissions (6):

Blueprint Genetics
Classification: Likely benign. Last evaluated: 2024-10-24. Review status: criteria provided, single submitter. Criteria: ACMG Guidelines, 2015. Collection method: clinical testing. Allele origin: germline.

Women's Health and Genetics/Laboratory Corporation of America, LabCorp
Classification: Likely benign. Last evaluated: 2024-08-12. Review status: criteria provided, single submitter. Criteria: LabCorp Variant Classification Summary - May 2015. Collection method: clinical testing. Allele origin: germline.
Comment: Variant summary: EFHC1 c.779G>A (p.Arg260Gln) results in a conservative amino acid change located in the DM10 domain (IPR006602) of the encoded protein sequence. Three of five in-silico tools predict a benign effect of the variant on protein function. The variant allele was found at a frequency of 0.00041 in 1613938 control chromosomes, predominantly at a frequency of 0.0018 within the South Asian subpopulation in the gnomAD database, including 4 homozygotes (gnomAD v4.1.0). c.779G>A has been reported in the literature in at least an individual affected with Juvenile Myoclonic Epilepsy (example: Thounaojam_2017). These report(s) do not provide unequivocal conclusions about association of the variant with Juvenile Myoclonic Epilepsy. To our knowledge, no experimental evidence demonstrating an impact on protein function has been reported. The following publications have been ascertained in the context of this evaluation (PMID: 34426522, 29750216). ClinVar contains an entry for this variant (Variation ID: 205389). Based on the evidence outlined above, the variant was classified as likely benign.

Labcorp Genetics (formerly Invitae), Labcorp
Classification: Benign for Myoclonic epilepsy, juvenile, susceptibility to, 1; Absence seizure. Last evaluated: 2022-02-04. Review status: criteria provided, single submitter. Criteria: Invitae Variant Classification Sherloc (09022015). Collection method: clinical testing. Allele origin: germline.

Athena Diagnostics
Classification: Likely benign. Last evaluated: 2017-06-09. Review status: criteria provided, single submitter. Criteria: Athena Diagnostics Criteria. Collection method: clinical testing. Allele origin: germline.

GeneDx
Classification: Uncertain significance. Last evaluated: 2015-10-21. Review status: criteria provided, single submitter. Criteria: GeneDx Variant Classification (06012015). Collection method: clinical testing. Allele origin: germline. Affected: yes.
Comment: p.Arg260Gln (CGG>CAG): c.779 G>A in exon 5 of the EFHC1 gene (NM_018100.3). The R260Q variant has not been published as a mutation, nor has it been reported as a benign polymorphism to our knowledge. It was not observed with any significant frequency in approximately 6,500 individuals of European and African American ancestry in the NHLBI Exome Sequencing Project. The R260Q variant is a non-conservative amino acid substitution, which is likely to impact secondary protein structure as these residues differ in polarity, charge, size and/or other properties. However, this substitution occurs at a position that is not highly conserved across species within the second DM10 domain of the protein and in silico analysis is inconsistent in its predictions as to whether or not the variant is damaging to the protein structure/function. Therefore, based on the currently available information, it is unclear whether this variant is a pathogenic mutation or a rare benign variant. The variant is found in CHILD-EPI panel(s).

PreventionGenetics, part of Exact Sciences
Classification: Likely benign for EFHC1-related condition. Last evaluated: 2020-10-28. Review status: no assertion criteria provided. Collection method: clinical testing. Allele origin: germline. Not counted in ClinVar's aggregate classification.
Comment: This variant is classified as likely benign based on ACMG/AMP sequence variant interpretation guidelines (Richards et al. 2015 PMID: 25741868, with internal and published modifications).

Literature cited by the submitters: PubMed 34426522 (cited by Women's Health and Genetics/Laboratory Corporation of America, LabCorp); PubMed 29750216 (cited by Women's Health and Genetics/Laboratory Corporation of America, LabCorp).